The following is an entry in ClinVar:

ClinVar aggregate classification (germline): Likely benign (1 of 4 stars; one submission).

Allele frequency attached by ClinVar (database versions not stated): ESP Exome Variant Server 0.00471; 1000 Genomes Project 30x 0.00812.

Submission:

CeGaT Center for Human Genetics Tuebingen
Classification: Likely benign. Last evaluated: 2023-07-01. Review status: criteria provided, single submitter. Criteria: CeGaT Center For Human Genetics Tuebingen Variant Classification Criteria Version 2. Collection method: clinical testing. Allele origin: germline. Affected: yes. Observed: 5 variant alleles.
Comment: MUC5B: BP4, BP7, BS2

NM_002458.3(MUC5B):c.11205C>T (p.Thr3735=)

Genes: MUC5B (mucin 5B, oligomeric mucus/gel-forming; plus strand), MUC5B-AS1 (MUC5B antisense RNA 1; minus strand). Cytogenetic location: 11p15.5.
Variant type: single nucleotide variant.
Coding change: c.11205C>T on transcript NM_002458.3 (MANE Select); coding-DNA position 11205, C replaced by T.
Protein change: p.Thr3735=; no amino-acid change (threonine 3735 retained).
Molecular consequence: synonymous variant.
Genome position (GRCh38, 1-based): chr11:1,248,085, C>T. VCF-style: chr11-1248085-C-T. GRCh37 (hg19) VCF-style: chr11-1269315-C-T.
Identifiers: ClinVar variation 2641273 (VCV002641273.24), dbSNP rs200056103, ClinGen allele CA5807574.
Genomic context (GRCh38, chr11:1,248,085, plus strand): 5'-CCCAGGGACCACCTGGATCCTCACAGAGCCGAGCACTACAGCCACCGTGACGGTGCCCAC[C>T]GGATCCACGGCCACCGCCTCCTCCACCCAGGCAACTGCTGGCACCCCACATGTGAGCACC-3'
Protein context (NP_002449.2, residues 3725-3745): PSTTATVTVP[Thr3735=]GSTATASSTQ